The following is an entry in ClinVar:

NM_001017995.3(SH3PXD2B):c.433G>A (p.Asp145Asn)

Gene: SH3PXD2B (SH3 and PX domains 2B; minus strand). Cytogenetic location: 5q35.1.
Variant type: single nucleotide variant.
Coding change: c.433G>A on transcript NM_001017995.3 (MANE Select); coding-DNA position 433, G replaced by A.
Protein change: p.Asp145Asn; replaces aspartic acid 145 with asparagine.
Molecular consequence: missense variant.
Genome position (GRCh38, 1-based): chr5:172,362,864, C>T on the plus strand (G>A on the coding strand, the complement: SH3PXD2B is on the minus strand). VCF-style: chr5-172362864-C-T. GRCh37 (hg19) VCF-style: chr5-171789868-C-T.
Other names: c.433G>A, p.Asp145Asn (NM_001308175.2); short protein forms D145N.
Identifiers: ClinVar variation 1809985 (VCV001809985.4), dbSNP rs149830191, ClinGen allele CA3561532.
Genomic context (GRCh38, chr5:172,362,864, plus strand): 5'-TCTGGTAGTTGGCTACCACCACATACTGCTCCAGGACCATGGGGTCCACTGAGGTTTGGT[C>T]ACCCCCTGTGGATAGGAAACAGACATGACATCTGGCCACCACTCATGCATGAAAGAGCAG-3'
Protein context (NP_001017995.1, residues 135-155): EHIGKKKSGG[Asp145Asn]QTSVDPMVLE

ClinVar aggregate classification (germline): Uncertain significance. Review status: criteria provided, multiple submitters, no conflicts (2 of 4 stars). 2 submissions from 2 submitters: Uncertain significance (2). Last evaluated 2023-12-18.

Allele frequency attached by ClinVar (database versions not stated): gnomAD 0.00001; ExAC 0.00002; TOPMed 0.00002; ESP Exome Variant Server 0.00008.
gnomAD v4.1: 2 of 1,614,000 alleles (0.00012%); highest among the groups gnomAD compares: African/African-American, 0.0027%; no homozygotes.

Submissions (2):

Labcorp Genetics (formerly Invitae), Labcorp
Classification: Uncertain significance. Last evaluated: 2023-12-18. Review status: criteria provided, single submitter. Criteria: Invitae Variant Classification Sherloc (09022015). Collection method: clinical testing. Allele origin: germline.
Comment: This sequence change replaces aspartic acid, which is acidic and polar, with asparagine, which is neutral and polar, at codon 145 of the SH3PXD2B protein (p.Asp145Asn). This variant is present in population databases (rs149830191, gnomAD 0.007%). This variant has not been reported in the literature in individuals affected with SH3PXD2B-related conditions. ClinVar contains an entry for this variant (Variation ID: 1809985). An algorithm developed to predict the effect of missense changes on protein structure and function (PolyPhen-2) suggests that this variant is likely to be disruptive. In summary, the available evidence is currently insufficient to determine the role of this variant in disease. Therefore, it has been classified as a Variant of Uncertain Significance.

GeneDx
Classification: Uncertain significance. Last evaluated: 2022-07-01. Review status: criteria provided, single submitter. Criteria: GeneDx Variant Classification Process June 2021. Collection method: clinical testing. Allele origin: germline. Affected: yes.
Comment: In silico analysis supports that this missense variant has a deleterious effect on protein structure/function; Has not been previously published as pathogenic or benign to our knowledge